The following is an entry in ClinVar:

NM_003924.4(PHOX2B):c.774_776GGC[3]AGCGGCAGCGGAGGC[1] (p.Ala260_Gly261insAlaAlaAlaAlaGluAlaAla)

Genes: PHOX2B (paired like homeobox 2B; minus strand), LOC110011216 (paired like homeobox 2b polyalanine repeat instability region; plus strand). Cytogenetic location: 4p13.
Variant type: Insertion.
Coding change: c.774_776GGC[3]AGCGGCAGCGGAGGC[1] on transcript NM_003924.4 (MANE Select).
Protein change: p.Ala260_Gly261insAlaAlaAlaAlaGluAlaAla.
Molecular consequence: inframe insertion. On other transcripts: inframe indel (1).
Genome position: GRCh38 VCF-style: chr4-41745975-T-TGCCTCCGCTGCCGCTGCCGCC. GRCh37 (hg19) VCF-style: chr4-41747992-T-TGCCTCCGCTGCCGCTGCCGCC.
Other names: c.776_777insGGCGGCAGCGGCAGCGGAGGC (NM_003924.3).
Identifiers: ClinVar variation 1760499 (VCV001760499.2), dbSNP rs2552096798, ClinGen allele CA2580070997.

ClinVar aggregate classification (germline): Likely pathogenic (1 of 4 stars; one submission).

Conditions:
Hereditary cancer-predisposing syndrome. Also called: Neoplastic Syndromes, Hereditary; Tumor predisposition; Hereditary Cancer Syndrome; Hereditary neoplastic syndrome. Identifiers: Orphanet 140162, MedGen C0027672, MeSH D009386, MONDO:0015356.

Submission:

Ambry Genetics
Classification: Likely pathogenic for Hereditary cancer-predisposing syndrome. Last evaluated: 2021-02-23. Review status: criteria provided, single submitter. Criteria: Ambry Variant Classification Scheme 2023. Collection method: clinical testing. Allele origin: germline.
Comment: The c.776_777ins21 variant (also known as p.A260_G261insAAAAEAA), located in coding exon 3 of the PHOX2B gene, results from an in-frame insertion of GGCGGCAGCGGCAGCGGAGGC at nucleotide positions 776 to 777. This results in the insertion of seven residues (AAAAEAA) at codon 260 and 261, leading to an expansion of the polyalanine repeat region from 20 to 24 repeats. Polyalanine repeat expansion mutations of 24 repeats have been identified in individuals with variable phenotypes, ranging from asymptomatic/mild presentations to newborns with congenital central hypoventilation syndrome and Hirschsprung disease (Kwon MS et al. Eur. J. Pediatr. 2011 Oct;170(10):1267-71; Chuen-im P et al. Pediatr. Pulmonol. 2014 Feb;49(2):E13-6; Sivan Y et al. Am. J. Med. Genet. A 2019 03;179(3):503-506). Based on the majority of available evidence to date, this variant is likely to be pathogenic.

Literature cited by the submitters: PubMed 21373876; PubMed 23460419; PubMed 30672101.